The following is an entry in ClinVar:

NM_006648.4(WNK2):c.2824C>T (p.Pro942Ser)

Gene: WNK2 (WNK lysine deficient protein kinase 2; plus strand). Cytogenetic location: 9q22.31.
Variant type: single nucleotide variant.
Coding change: c.2824C>T on transcript NM_006648.4 (MANE Select); coding-DNA position 2824, C replaced by T.
Protein change: p.Pro942Ser; replaces proline 942 with serine.
Molecular consequence: missense variant.
Genome position (GRCh38, 1-based): chr9:93,259,372, C>T. VCF-style: chr9-93259372-C-T. GRCh37 (hg19) VCF-style: chr9-96021654-C-T.
Other names: c.2824C>T, p.Pro942Ser (NM_001282394.3); short protein forms P942S.
Identifiers: ClinVar variation 3816460 (VCV003816460.1).

ClinVar aggregate classification (germline): Uncertain significance (1 of 4 stars; one submission).

Submission:

Ambry Genetics
Classification: Uncertain significance. Last evaluated: 2024-12-14. Review status: criteria provided, single submitter. Criteria: Ambry Variant Classification Scheme 2023. Collection method: clinical testing. Allele origin: germline.
Comment: The p.P942S variant (also known as c.2824C>T), located in coding exon 11 of the WNK2 gene, results from a C to T substitution at nucleotide position 2824. The proline at codon 942 is replaced by serine, an amino acid with similar properties. This amino acid position is conserved. In addition, this alteration is predicted to be tolerated by in silico analysis. Based on the available evidence, the clinical significance of this variant remains unclear.